The following is an entry in ClinVar:

ClinVar aggregate classification (germline): Benign/Likely benign. Review status: criteria provided, multiple submitters, no conflicts (2 of 4 stars). 18 submissions from 18 submitters: Benign (13); Likely benign (2). 3 of the submissions do not count toward it. Last evaluated 2026-02-03.

Conditions:
Cardiovascular phenotype. Identifiers: MedGen CN230736.
Cardiomyopathy (CMYO). Also called: Cardiomyopathies. Identifiers: Orphanet 167848, MedGen C0878544, MONDO:0004994, HP:0001638. Inheritance: Various modes of inheritance.
Lethal congenital glycogen storage disease of heart. Also called: PHOSPHORYLASE KINASE DEFICIENCY OF HEART; GLYCOGEN STORAGE DISEASE OF HEART. Identifiers: Orphanet 439854, MedGen C1849813, MONDO:0009867, OMIM 261740.
Hypertrophic cardiomyopathy. Also called: HYPERTROPHIC MYOCARDIOPATHY. Identifiers: Orphanet 217569, MedGen C0007194, MeSH D002312, MONDO:0005045, HP:0001639.

Allele frequency attached by ClinVar (database versions not stated): gnomAD exomes 0.00074; ExAC 0.00081; ESP Exome Variant Server 0.00277; 1000 Genomes Project 0.00280; gnomAD 0.00280; 1000 Genomes Project 30x 0.00328; TOPMed 0.00336.
gnomAD v4.1: 868 of 1,612,402 alleles (0.054%); highest among the groups gnomAD compares: African/African-American, 1%; 6 homozygotes.

Submissions (18):

Labcorp Genetics (formerly Invitae), Labcorp
Classification: Benign for Lethal congenital glycogen storage disease of heart. Last evaluated: 2026-02-03. Review status: criteria provided, single submitter. Criteria: Invitae Variant Classification Sherloc (09022015). Collection method: clinical testing. Allele origin: germline.

CeGaT Center for Human Genetics Tuebingen
Classification: Likely benign. Last evaluated: 2025-09-01. Review status: criteria provided, single submitter. Criteria: CeGaT Center For Human Genetics Tuebingen Variant Classification Criteria Version 2. Collection method: clinical testing. Allele origin: germline. Affected: yes. Observed: 2 variant alleles.
Comment: PRKAG2: BP4, BP7, BS1

Molecular Diagnostic Laboratory for Inherited Cardiovascular Disease, Montreal Heart Institute
Classification: Benign. Last evaluated: 2025-04-09. Review status: criteria provided, single submitter. Criteria: ACMG Guidelines, 2015. Collection method: clinical testing. Allele origin: germline. Affected: no.

ARUP Laboratories, Molecular Genetics and Genomics, ARUP Laboratories
Classification: Benign. Last evaluated: 2024-11-05. Review status: criteria provided, single submitter. Criteria: ARUP Molecular Germline Variant Investigation Process 2024. Collection method: clinical testing. Allele origin: germline.

Blueprint Genetics
Classification: Likely benign. Last evaluated: 2024-10-04. Review status: criteria provided, single submitter. Criteria: ACMG Guidelines, 2015. Collection method: clinical testing. Allele origin: germline.

All of Us Research Program, National Institutes of Health
Classification: Benign for Hypertrophic cardiomyopathy. Last evaluated: 2024-02-05. Review status: criteria provided, single submitter. Criteria: ACMG Guidelines, 2015. Collection method: clinical testing. Allele origin: germline. Inheritance: Autosomal dominant inheritance. Observed: 179 variant alleles, 178 heterozygotes, 1 homozygote.
Comment: This study involves interpretation of variants in research participants for the purpose of population health screening. Participant phenotype was not available at the time of variant classification. Additional details can be found in publication PMID: 35346344, PMCID: PMC8962531

Color Diagnostics, LLC DBA Color Health
Classification: Benign for Cardiomyopathy. Last evaluated: 2018-04-13. Review status: criteria provided, single submitter. Criteria: ACMG Guidelines, 2015. Collection method: clinical testing. Allele origin: germline.

CHEO Genetics Diagnostic Laboratory, Children's Hospital of Eastern Ontario
Classification: Benign for Cardiomyopathy. Last evaluated: 2017-05-31. Review status: criteria provided, single submitter. Criteria: ACMG Guidelines, 2015. Collection method: clinical testing. Allele origin: germline. Study: Canadian Open Genetics Repository.

Mayo Clinic Laboratories, Mayo Clinic
Classification: Benign. Last evaluated: 2016-12-22. Review status: criteria provided, single submitter. Criteria: ACMG Guidelines, 2015. Collection method: clinical testing. Allele origin: germline. Observed: 8 variant alleles.

Ambry Genetics
Classification: Benign for Cardiovascular phenotype. Last evaluated: 2016-11-25. Review status: criteria provided, single submitter. Criteria: Ambry Variant Classification Scheme 2023. Collection method: clinical testing. Allele origin: germline.

Women's Health and Genetics/Laboratory Corporation of America, LabCorp
Classification: Benign. Last evaluated: 2016-04-18. Review status: criteria provided, single submitter. Criteria: LabCorp Variant Classification Summary - May 2015. Collection method: clinical testing. Allele origin: germline.
Comment: Variant summary: The c.1296G>A variant affects a non-conserved nucleotide, resulting in synonymous amino acid change. 5/5 in-silico tools via Alamut predict that this variant does not affect normal splicing. This variant is found in 98/121412 control chromosomes from ExAC at a frequency of 0.0008072, which is about 32 times greater than the maximal expected frequency of a pathogenic allele (0.000025), suggesting this variant is benign. Multiple clinical labs have classified this variant as benign. Taken together, this variant has been classified as Benign.

GeneDx
Classification: Benign. Last evaluated: 2015-03-03. Review status: criteria provided, single submitter. Criteria: GeneDx Variant Classification Process June 2021. Collection method: clinical testing. Allele origin: germline. Affected: yes.

Eurofins Ntd Llc (ga)
Classification: Benign. Last evaluated: 2014-12-29. Review status: criteria provided, single submitter. Criteria: EGL Classification Definitions 2015. Collection method: clinical testing. Allele origin: germline. Observed: 1 variant allele, 1 heterozygote.

Laboratory for Molecular Medicine, Mass General Brigham Personalized Medicine
Classification: Benign. Last evaluated: 2011-12-06. Review status: criteria provided, single submitter. Criteria: LMM Criteria. Collection method: clinical testing. Allele origin: germline. Observed: 9 variant alleles.
Comment: Thr432Thr in Exon 12 of PRKAG2: This variant is not expected to have clinical si gnificance because it does not alter an amino acid residue, is not located withi n the splice consensus sequence and has been identified in 0.9% (33/3738) of Afr ican American chromosomes from a broad population by the NHLBI Exome Sequencing Project (dbSNP rs114079815).

Breakthrough Genomics
Classification: Benign. Review status: criteria provided, single submitter. Criteria: ACMG Guidelines, 2015. Collection method: not provided. Allele origin: germline. Inheritance: Autosomal dominant inheritance. Affected: yes.

Clinical Genetics DNA and cytogenetics Diagnostics Lab, Erasmus MC, Erasmus Medical Center
Classification: Benign. Review status: no assertion criteria provided. Collection method: clinical testing. Allele origin: germline. Affected: yes. Study: VKGL Data-share Consensus. Not counted in ClinVar's aggregate classification.

Clinical Genetics, Academic Medical Center
Classification: Benign. Review status: no assertion criteria provided. Collection method: clinical testing. Allele origin: germline. Affected: yes. Study: VKGL Data-share Consensus. Not counted in ClinVar's aggregate classification.

Genome Diagnostics Laboratory, University Medical Center Utrecht
Classification: Benign. Review status: no assertion criteria provided. Collection method: clinical testing. Allele origin: germline. Affected: yes. Study: VKGL Data-share Consensus. Not counted in ClinVar's aggregate classification.

NM_016203.4(PRKAG2):c.1296G>A (p.Thr432=)

Gene: PRKAG2 (protein kinase AMP-activated non-catalytic subunit gamma 2; minus strand). Cytogenetic location: 7q36.1.
Variant type: single nucleotide variant.
Coding change: c.1296G>A on transcript NM_016203.4 (MANE Select); coding-DNA position 1296, G replaced by A.
Protein change: p.Thr432=; no amino-acid change (threonine 432 retained).
Molecular consequence: synonymous variant.
Genome position (GRCh38, 1-based): chr7:151,565,823, C>T on the plus strand (G>A on the coding strand, the complement: PRKAG2 is on the minus strand). VCF-style: chr7-151565823-C-T. GRCh37 (hg19) VCF-style: chr7-151262909-C-T.
Other names: p.Thr432=; c.1164G>A, p.Thr388= (NM_001040633.2); c.921G>A, p.Thr307= (NM_001304527.2); c.573G>A, p.Thr191= (NM_001304531.2, NM_024429.2); c.924G>A, p.Thr308= (NM_001363698.2).
Identifiers: ClinVar variation 177715 (VCV000177715.67), dbSNP rs114079815, ClinGen allele CA013698.